The following is an entry in ClinVar:

ClinVar aggregate classification (germline): Pathogenic. Review status: criteria provided, multiple submitters, no conflicts (2 of 4 stars). 2 submissions from 2 submitters: Pathogenic (2). Last evaluated 2025-04-14.

Submissions (2):

Labcorp Genetics (formerly Invitae), Labcorp
Classification: Pathogenic. Last evaluated: 2025-04-14. Review status: criteria provided, single submitter. Criteria: Invitae Variant Classification Sherloc (09022015). Collection method: clinical testing. Allele origin: germline.
Comment: This sequence change creates a premature translational stop signal (p.Trp299*) in the SERPING1 gene. It is expected to result in an absent or disrupted protein product. Loss-of-function variants in SERPING1 are known to be pathogenic (PMID: 11112899, 24456027). This variant is not present in population databases (gnomAD no frequency). This premature translational stop signal has been observed in individual(s) with clinical features of primary immunodeficiency and/or hereditary angioedema (PMID: 18586324, 28359783). This variant is also known as Trp277X. ClinVar contains an entry for this variant (Variation ID: 2663363). For these reasons, this variant has been classified as Pathogenic.

GeneDx
Classification: Pathogenic. Last evaluated: 2023-11-03. Review status: criteria provided, single submitter. Criteria: GeneDx Variant Classification Process June 2021. Collection method: clinical testing. Allele origin: germline. Affected: yes.
Comment: Nonsense variant predicted to result in protein truncation or nonsense mediated decay in a gene for which loss of function is a known mechanism of disease; Not observed at significant frequency in large population cohorts (gnomAD); This variant is associated with the following publications: (PMID: 28359783, 30827947, 36422280, 18758157, 33276216)

Literature cited by the submitters: PubMed 11112899 (cited by Labcorp Genetics (formerly Invitae), Labcorp); PubMed 24456027 (cited by Labcorp Genetics (formerly Invitae), Labcorp); PubMed 18586324 (cited by Labcorp Genetics (formerly Invitae), Labcorp); PubMed 28359783 (cited by Labcorp Genetics (formerly Invitae), Labcorp).

NM_000062.3(SERPING1):c.897G>A (p.Trp299Ter)

Gene: SERPING1 (serpin family G member 1; plus strand). Cytogenetic location: 11q12.1.
Variant type: single nucleotide variant.
Coding change: c.897G>A on transcript NM_000062.3 (MANE Select); coding-DNA position 897, G replaced by A.
Protein change: p.Trp299Ter; replaces tryptophan 299 with a stop codon.
Molecular consequence: nonsense.
Genome position (GRCh38, 1-based): chr11:57,606,415, G>A. VCF-style: chr11-57606415-G-A. GRCh37 (hg19) VCF-style: chr11-57373888-G-A.
Other names: c.897G>A, p.Trp299Ter (NM_001032295.2); short protein forms W299*.
Identifiers: ClinVar variation 2663363 (VCV002663363.4), dbSNP rs2495442106, ClinGen allele CA380700105.
Genomic context (GRCh38, chr11:57,606,415, plus strand): 5'-CTTCATCCTTTTCCTACCTGCATTAGAGCAACCCTCCCACCTCTTCCCTCTAGCCAAGTG[G>A]AAGACAACATTTGATCCCAAGAAAACCAGAATGGAACCCTTTCACTTCAAAAACTCAGTT-3'